The following is an entry in ClinVar:

NM_021930.6(RINT1):c.1576G>A (p.Glu526Lys)

Gene: RINT1 (RAD50 interactor 1; plus strand). Cytogenetic location: 7q22.3.
Variant type: single nucleotide variant.
Coding change: c.1576G>A on transcript NM_021930.6 (MANE Select); coding-DNA position 1576, G replaced by A.
Protein change: p.Glu526Lys; replaces glutamic acid 526 with lysine.
Molecular consequence: missense variant.
Genome position (GRCh38, 1-based): chr7:105,555,132, G>A. VCF-style: chr7-105555132-G-A. GRCh37 (hg19) VCF-style: chr7-105195579-G-A.
Other names: c.1342G>A, p.Glu448Lys (NM_001346599.2); c.553G>A, p.Glu185Lys (NM_001346600.2, NM_001346603.2); c.652G>A, p.Glu218Lys (NM_001346601.2); short protein forms E218K, E526K, E448K, E185K.
Identifiers: ClinVar variation 1775601 (VCV001775601.2), dbSNP rs2485149738, ClinGen allele CA368811704.

ClinVar aggregate classification (germline): Uncertain significance (1 of 4 stars; one submission).

Submission:

Ambry Genetics
Classification: Uncertain significance. Last evaluated: 2021-12-30. Review status: criteria provided, single submitter. Criteria: Ambry Variant Classification Scheme 2023. Collection method: clinical testing. Allele origin: germline.
Comment: The p.E526K variant (also known as c.1576G>A), located in coding exon 11 of the RINT1 gene, results from a G to A substitution at nucleotide position 1576. The glutamic acid at codon 526 is replaced by lysine, an amino acid with similar properties. This amino acid position is highly conserved in available vertebrate species. In addition, the in silico prediction for this alteration is inconclusive. The evidence for this gene-disease relationship is limited; therefore, the clinical significance of this alteration is unclear.